The following is an entry in ClinVar:

ClinVar aggregate classification (germline): Benign/Likely benign. Review status: criteria provided, multiple submitters, no conflicts (2 of 4 stars). 4 submissions from 4 submitters: Benign (1); Likely benign (3). Last evaluated 2026-08-05.

Conditions:
Hereditary cancer-predisposing syndrome. Also called: Hereditary Cancer Syndrome; Hereditary neoplastic syndrome; Neoplastic Syndromes, Hereditary; Tumor predisposition. Identifiers: Orphanet 140162, MedGen C0027672, MeSH D009386, MONDO:0015356.
Hereditary pheochromocytoma and paraganglioma. Also called: Hereditary Paraganglioma-Pheochromocytoma Syndromes; Hereditary paragangliomas and pheochromocytomas; Hereditary pheochromocytoma-paraganglioma. Identifiers: Orphanet 29072, MedGen C4274332, MONDO:0017366.
Pheochromocytoma/paraganglioma syndrome 2. Also called: GLOMUS TUMORS, FAMILIAL, 2; Paragangliomas 2; SDHAF2-Related Hereditary Paraganglioma-Pheochromocytoma Syndrome (Paragangliomas 2); SDHAF2-Related Hereditary Paraganglioma-Pheochromocytoma Syndrome. Identifiers: Orphanet 29072, MedGen C1866552, MONDO:0011121, OMIM 601650.

Allele frequency attached by ClinVar (database versions not stated): gnomAD exomes 0.00001 and 0.00007; gnomAD 0.00005; TOPMed 0.00002; ExAC 0.00007.
gnomAD v4.1: 26 of 1,614,022 alleles (0.0016%); highest among the groups gnomAD compares: East Asian, 0.056%; no homozygotes.

Submissions (4):

Myriad Genetics, Inc.
Classification: Benign for Pheochromocytoma/paraganglioma syndrome 2. Last evaluated: 2026-08-05. Review status: criteria provided, single submitter. Criteria: Myriad Autosomal Dominant, Autosomal Recessive and X-Linked Classification Criteria (2023). Collection method: clinical testing. Allele origin: unknown.
Comment: This variant is considered benign. This variant is a silent/synonymous amino acid change and it is not expected to impact splicing.

Labcorp Genetics (formerly Invitae), Labcorp
Classification: Likely benign for Hereditary pheochromocytoma and paraganglioma. Last evaluated: 2026-01-16. Review status: criteria provided, single submitter. Criteria: Invitae Variant Classification Sherloc (09022015). Collection method: clinical testing. Allele origin: germline.

Color Diagnostics, LLC DBA Color Health
Classification: Likely benign for Hereditary pheochromocytoma and paraganglioma. Last evaluated: 2022-11-06. Review status: criteria provided, single submitter. Criteria: ACMG Guidelines, 2015. Collection method: clinical testing. Allele origin: germline.

Ambry Genetics
Classification: Likely benign for Hereditary cancer-predisposing syndrome. Last evaluated: 2020-03-27. Review status: criteria provided, single submitter. Criteria: Ambry Variant Classification Scheme 2023. Collection method: clinical testing. Allele origin: germline.

NM_017841.4(SDHAF2):c.294A>G (p.Thr98=)

Gene: SDHAF2 (succinate dehydrogenase complex assembly factor 2; plus strand). Cytogenetic location: 11q12.2.
Variant type: single nucleotide variant.
Coding change: c.294A>G on transcript NM_017841.4 (MANE Select); coding-DNA position 294, A replaced by G.
Protein change: p.Thr98=; no amino-acid change (threonine 98 retained).
Molecular consequence: synonymous variant.
Genome position (GRCh38, 1-based): chr11:61,438,037, A>G. VCF-style: chr11-61438037-A-G. GRCh37 (hg19) VCF-style: chr11-61205509-A-G.
Identifiers: ClinVar variation 416798 (VCV000416798.16), dbSNP rs762441285, ClinGen allele CA058378.